The following is an entry in ClinVar:

ClinVar aggregate classification (germline): Likely benign. Review status: criteria provided, multiple submitters, no conflicts (2 of 4 stars). 3 submissions from 3 submitters: Likely benign (3). Last evaluated 2024-08-12.

Allele frequency attached by ClinVar (database versions not stated): gnomAD exomes below 0.00001; TOPMed 0.00001.
gnomAD v4.1: 15 of 1,605,228 alleles (0.00093%); highest among the groups gnomAD compares: Middle Eastern, 0.05%; no homozygotes.

Submissions (3):

Blueprint Genetics
Classification: Likely benign. Last evaluated: 2024-08-12. Review status: criteria provided, single submitter. Criteria: ACMG Guidelines, 2015. Collection method: clinical testing. Allele origin: germline.

Labcorp Genetics (formerly Invitae), Labcorp
Classification: Likely benign. Last evaluated: 2022-09-16. Review status: criteria provided, single submitter. Criteria: Invitae Variant Classification Sherloc (09022015). Collection method: clinical testing. Allele origin: germline.

CeGaT Center for Human Genetics Tuebingen
Classification: Likely benign. Last evaluated: 2022-09-01. Review status: criteria provided, single submitter. Criteria: CeGaT Center For Human Genetics Tuebingen Variant Classification Criteria Version 2. Collection method: clinical testing. Allele origin: germline. Affected: yes. Observed: 1 variant allele.
Comment: TNFAIP3: BP4, BP7

NM_001270508.2(TNFAIP3):c.981C>T (p.Ala327=)

Gene: TNFAIP3 (TNF alpha induced protein 3; plus strand). Cytogenetic location: 6q23.3.
Variant type: single nucleotide variant.
Coding change: c.981C>T on transcript NM_001270508.2 (MANE Select); coding-DNA position 981, C replaced by T.
Protein change: p.Ala327=; no amino-acid change (alanine 327 retained).
Molecular consequence: synonymous variant.
Genome position (GRCh38, 1-based): chr6:137,877,251, C>T. VCF-style: chr6-137877251-C-T. GRCh37 (hg19) VCF-style: chr6-138198388-C-T.
Other names: c.981C>T, p.Ala327= (NM_001270507.2, NM_006290.4).
Identifiers: ClinVar variation 1659579 (VCV001659579.33), dbSNP rs1269592135, ClinGen allele CA452241669.